The following is an entry in ClinVar:

ClinVar aggregate classification (germline): Benign/Likely benign. Review status: criteria provided, multiple submitters, no conflicts (2 of 4 stars). 3 submissions from 3 submitters: Benign (1); Likely benign (2). Last evaluated 2025-11-25.

Conditions:
Multiple endocrine neoplasia, type 2 (MEN2). Identifiers: Orphanet 653, MedGen C4048306, MONDO:0019003. Disease mechanism: gain of function.
Multiple endocrine neoplasia type 2A. Also called: MULTIPLE ENDOCRINE NEOPLASIA, TYPE IIA; PTC SYNDROME; SIPPLE SYNDROME; MEN 2A; MEN-2A syndrome; Pheochromocytoma and amyloid producing medullary thyroid carcinoma. Identifiers: Orphanet 247698, Orphanet 653, MedGen C0025268, MeSH D018813, MONDO:0008234, OMIM 171400.
Hereditary cancer-predisposing syndrome. Also called: Tumor predisposition; Neoplastic Syndromes, Hereditary; Hereditary Cancer Syndrome; Hereditary neoplastic syndrome. Identifiers: Orphanet 140162, MedGen C0027672, MeSH D009386, MONDO:0015356.

Allele frequency attached by ClinVar (database versions not stated): TOPMed below 0.00001; gnomAD 0.00001.

Submissions (3):

Labcorp Genetics (formerly Invitae), Labcorp
Classification: Likely benign for Multiple endocrine neoplasia, type 2. Last evaluated: 2025-11-25. Review status: criteria provided, single submitter. Criteria: Invitae Variant Classification Sherloc (09022015). Collection method: clinical testing. Allele origin: germline.

Myriad Genetics, Inc.
Classification: Benign for Multiple endocrine neoplasia type 2A. Last evaluated: 2025-02-25. Review status: criteria provided, single submitter. Criteria: Myriad Autosomal Dominant, Autosomal Recessive and X-Linked Classification Criteria (2023). Collection method: clinical testing. Allele origin: unknown.
Comment: This variant is considered benign. This variant is a silent/synonymous amino acid change and it is not expected to impact splicing.

Ambry Genetics
Classification: Likely benign for Hereditary cancer-predisposing syndrome. Last evaluated: 2021-09-28. Review status: criteria provided, single submitter. Criteria: Ambry Variant Classification Scheme 2023. Collection method: clinical testing. Allele origin: germline.

NM_020975.6(RET):c.1059C>T (p.Asp353=)

Gene: RET (ret proto-oncogene; plus strand). Cytogenetic location: 10q11.21.
Variant type: single nucleotide variant.
Coding change: c.1059C>T on transcript NM_020975.6 (MANE Select); coding-DNA position 1059, C replaced by T.
Protein change: p.Asp353=; no amino-acid change (aspartic acid 353 retained).
Molecular consequence: synonymous variant. On other transcripts: intron variant (25).
Genome position (GRCh38, 1-based): chr10:43,106,567, C>T. VCF-style: chr10-43106567-C-T. GRCh37 (hg19) VCF-style: chr10-43602015-C-T.
Other names: c.1059C>T, p.Asp353= (NM_001406743.1, NM_001406744.1, NM_001406759.1 and 6 more transcripts); c.930C>T, p.Asp310= (NM_001406761.1, NM_001406762.1, NM_001406764.1 and 1 more transcripts); c.771C>T, p.Asp257= (NM_001406766.1, NM_001406767.1, NM_001406770.1); c.867+1374C>T (NM_001406772.1, NM_001406769.1); c.626-2464C>T (NM_001406773.1, NM_001406771.1); c.625+3938C>T (NM_001406782.1, NM_001406780.1, NM_001406779.1 and 3 more transcripts); c.738+1374C>T (NM_001406774.1); c.496+3938C>T (NM_001406786.1, NM_001406783.1); and 5 more.
Identifiers: ClinVar variation 759034 (VCV000759034.14), dbSNP rs1290621703, ClinGen allele CA469024092.